The following is an entry in ClinVar:

ClinVar aggregate classification (germline): Uncertain significance (1 of 4 stars; one submission).

Conditions:
Congenital myasthenic syndrome 9. Also called: Myasthenic syndrome, congenital, 9, associated with acetylcholine receptor deficiency. Identifiers: Orphanet 590, MedGen C4225368, MONDO:0014587, OMIM 616325.
Fetal akinesia deformation sequence 1 (FADS1). Also called: Fetal akinesia sequence; Pena-Shokeir syndrome type I. Identifiers: Orphanet 994, MedGen C1276035, MONDO:0100101, OMIM 208150, HP:0001989.

Submission:

Labcorp Genetics (formerly Invitae), Labcorp
Classification: Uncertain significance for Congenital myasthenic syndrome 9; Fetal akinesia deformation sequence 1. Last evaluated: 2020-03-29. Review status: criteria provided, single submitter. Criteria: Invitae Variant Classification Sherloc (09022015). Collection method: clinical testing. Allele origin: germline.
Comment: In summary, the available evidence is currently insufficient to determine the role of this variant in disease. Therefore, it has been classified as a Variant of Uncertain Significance. Algorithms developed to predict the effect of missense changes on protein structure and function are either unavailable or do not agree on the potential impact of this missense change (SIFT: "Deleterious"; PolyPhen-2: "Probably Damaging"; Align-GVGD: "Class C0"). This variant has not been reported in the literature in individuals with MUSK-related conditions. This variant is not present in population databases (ExAC no frequency). This sequence change replaces isoleucine with asparagine at codon 750 of the MUSK protein (p.Ile750Asn). The isoleucine residue is highly conserved and there is a large physicochemical difference between isoleucine and asparagine.

NM_005592.4(MUSK):c.2249T>A (p.Ile750Asn)

Gene: MUSK (muscle associated receptor tyrosine kinase; plus strand). Cytogenetic location: 9q31.3.
Variant type: single nucleotide variant.
Coding change: c.2249T>A on transcript NM_005592.4 (MANE Select); coding-DNA position 2249, T replaced by A.
Protein change: p.Ile750Asn; replaces isoleucine 750 with asparagine.
Molecular consequence: missense variant.
Genome position (GRCh38, 1-based): chr9:110,800,627, T>A. VCF-style: chr9-110800627-T-A. GRCh37 (hg19) VCF-style: chr9-113562907-T-A.
Other names: c.1991T>A, p.Ile664Asn (NM_001166280.2); c.1961T>A, p.Ile654Asn (NM_001166281.2); c.989T>A, p.Ile330Asn (NM_001369398.1); short protein forms I750N, I654N, I330N, I664N.
Identifiers: ClinVar variation 1038019 (VCV001038019.8), dbSNP rs781506865, ClinGen allele CA374478816.
Genomic context (GRCh38, chr9:110,800,627, plus strand): 5'-ACTGCCTGGTGGGCGAGAACATGGTGGTGAAAATTGCCGACTTTGGCCTCTCCAGGAACA[T>A]CTACTCAGCAGACTACTACAAAGCTAATGAAAACGACGCTATCCCTATCCGTTGGATGCC-3'
Protein context (NP_005583.1, residues 740-760): KIADFGLSRN[Ile750Asn]YSADYYKANE